The following is an entry in ClinVar:

NM_004415.4(DSP):c.955_957del (p.Leu319del)

Gene: DSP (desmoplakin; plus strand). Cytogenetic location: 6p24.3.
Variant type: Deletion.
Coding change: c.955_957del on transcript NM_004415.4 (MANE Select); coding-DNA positions 955 to 957, 3 bases deleted (CTG; older notation c.955_957delCTG).
Protein change: p.Leu319del; deletes leucine 319.
Genome position (GRCh38, 1-based): chr6:7,566,392-7,566,394, CTG deleted. VCF-style (leftmost placement, unchanged base first): chr6-7566391-ACTG-A. GRCh37 (hg19) VCF-style: chr6-7566624-ACTG-A.
Other names: c.955_957del, p.Leu319del (NM_001008844.3, NM_001319034.2, NM_001406591.1); short protein forms L319del.
Identifiers: ClinVar variation 3544418 (VCV003544418.2).
Genomic context (GRCh38, chr6:7,566,391, plus strand): 5'-TTAATGATGACTTGCTGCAAAGGATTTCTTATTTCTTCATTCACAGATACGCATGAGTCA[ACTG>A]GAAGTTAAAGAAAAAGAGCTCAATAAGCTGAAACAAGAAAGTGACCAACTTGTCCTCAAT-3'

ClinVar aggregate classification (germline): Likely pathogenic (1 of 4 stars; one submission).

Conditions:
Cardiomyopathy, dilated, with wooly hair, keratoderma, and tooth agenesis. Also called: Cardiomyopathy, dilated, with woolly hair, keratoderma, and tooth agenesis; Erythrokeratodermia-cardiomyopathy syndrome. Identifiers: Orphanet 476096, Orphanet 65282, MedGen C4014393, MONDO:0014355, OMIM 615821.

Submission:

Molecular Genetics Laboratory, Motol Hospital
Classification: Likely pathogenic for Cardiomyopathy, dilated, with wooly hair, keratoderma, and tooth agenesis. Last evaluated: 2025-01-08. Review status: criteria provided, single submitter. Criteria: ACMG Guidelines, 2015. Collection method: clinical testing. Allele origin: germline. Affected: yes. Observed: 1 variant allele.
Comment: rare variant not present in general population in gnomAD v4.1.0 (PM2), in-frame deletion in a non-repeat region resulting in protein length (PM4); ACMG PM4, PM2